The following is an entry in ClinVar:

ClinVar aggregate classification (germline): Uncertain significance (1 of 4 stars; one submission).

Conditions:
Inborn genetic diseases. Identifiers: MedGen C0950123, MeSH D030342.

gnomAD v4.1: 1 of 1,614,044 alleles (0.000062%); highest among the groups gnomAD compares: Admixed American, 0.0017%; no homozygotes.

Submission:

Ambry Genetics
Classification: Uncertain significance for Inborn genetic diseases. Last evaluated: 2026-04-20. Review status: criteria provided, single submitter. Criteria: Ambry Variant Classification Scheme 2023. Collection method: clinical testing. Allele origin: germline.
Comment: The p.S53Y variant (also known as c.158C>A), located in coding exon 2 of the CEP57 gene, results from a C to A substitution at nucleotide position 158. The serine at codon 53 is replaced by tyrosine, an amino acid with dissimilar properties. This amino acid position is conserved. In addition, the in silico prediction for this alteration is inconclusive. Based on the available evidence, the clinical significance of this variant remains unclear.

NM_014679.5(CEP57):c.158C>A (p.Ser53Tyr)

Gene: CEP57 (centrosomal protein 57; plus strand). Cytogenetic location: 11q21.
Variant type: single nucleotide variant.
Coding change: c.158C>A on transcript NM_014679.5 (MANE Select); coding-DNA position 158, C replaced by A.
Protein change: p.Ser53Tyr; replaces serine 53 with tyrosine.
Molecular consequence: missense variant.
Genome position (GRCh38, 1-based): chr11:95,799,344, C>A. VCF-style: chr11-95799344-C-A. GRCh37 (hg19) VCF-style: chr11-95532508-C-A.
Other names: c.158C>A, p.Ser53Tyr (NM_001440872.1, NM_001440873.1, NM_001440874.1 and 6 more transcripts); c.77C>A, p.Ser26Tyr (NM_001440875.1, NM_001440877.1, NM_001440878.1 and 4 more transcripts); c.131C>A, p.Ser44Tyr (NM_001243776.2); short protein forms S26Y, S44Y, S53Y.
Identifiers: ClinVar variation 4868758 (VCV004868758.1).